The following is an entry in ClinVar:

NM_024928.5(STN1):c.847A>G (p.Lys283Glu)

Gene: STN1 (STN1 subunit of CST complex; minus strand). Cytogenetic location: 10q24.33.
Variant type: single nucleotide variant.
Coding change: c.847A>G on transcript NM_024928.5 (MANE Select); coding-DNA position 847, A replaced by G.
Protein change: p.Lys283Glu; replaces lysine 283 with glutamic acid.
Molecular consequence: missense variant.
Genome position (GRCh38, 1-based): chr10:103,892,159, T>C on the plus strand (A>G on the coding strand, the complement: STN1 is on the minus strand). VCF-style: chr10-103892159-T-C. GRCh37 (hg19) VCF-style: chr10-105651917-T-C.
Other names: c.847A>G (NM_024928.4); short protein forms K283E.
Identifiers: ClinVar variation 1433845 (VCV001433845.4), dbSNP rs748826736, ClinGen allele CA5676490.

ClinVar aggregate classification (germline): Uncertain significance. Review status: criteria provided, multiple submitters, no conflicts (2 of 4 stars). 2 submissions from 2 submitters: Uncertain significance (2). Last evaluated 2023-08-15.

Conditions:
Inborn genetic diseases. Identifiers: MedGen C0950123, MeSH D030342.

Allele frequency attached by ClinVar (database versions not stated): ExAC 0.00001; gnomAD exomes 0.00002 and 0.00004; TOPMed 0.00002.

Submissions (2):

Ambry Genetics
Classification: Uncertain significance for Inborn genetic diseases. Last evaluated: 2023-08-15. Review status: criteria provided, single submitter. Criteria: Ambry Variant Classification Scheme 2023. Collection method: clinical testing. Allele origin: germline.

Labcorp Genetics (formerly Invitae), Labcorp
Classification: Uncertain significance. Last evaluated: 2022-08-09. Review status: criteria provided, single submitter. Criteria: Invitae Variant Classification Sherloc (09022015). Collection method: clinical testing. Allele origin: germline.
Comment: This sequence change replaces lysine, which is basic and polar, with glutamic acid, which is acidic and polar, at codon 283 of the STN1 protein (p.Lys283Glu). This variant is present in population databases (rs748826736, gnomAD 0.007%). This variant has not been reported in the literature in individuals affected with STN1-related conditions. ClinVar contains an entry for this variant (Variation ID: 1433845). Algorithms developed to predict the effect of missense changes on protein structure and function are either unavailable or do not agree on the potential impact of this missense change (SIFT: "Deleterious"; PolyPhen-2: "Possibly Damaging"; Align-GVGD: "Class C0"). In summary, the available evidence is currently insufficient to determine the role of this variant in disease. Therefore, it has been classified as a Variant of Uncertain Significance.